The following is an entry in ClinVar:

NM_001365536.1(SCN9A):c.4879G>A (p.Ala1627Thr)

Genes: SCN1A-AS1 (SCN1A and SCN9A antisense RNA 1; plus strand), SCN9A (sodium voltage-gated channel alpha subunit 9; minus strand). Cytogenetic location: 2q24.3.
Variant type: single nucleotide variant.
Coding change: c.4879G>A on transcript NM_001365536.1 (MANE Select); coding-DNA position 4879, G replaced by A.
Protein change: p.Ala1627Thr; replaces alanine 1627 with threonine.
Molecular consequence: missense variant. On other transcripts: non-coding transcript variant (1).
Genome position (GRCh38, 1-based): chr2:166,199,760, C>T on the plus strand (G>A on the coding strand, the complement: SCN9A is on the minus strand). VCF-style: chr2-166199760-C-T. GRCh37 (hg19) VCF-style: chr2-167056270-C-T.
Other names: c.4846G>A, p.Ala1616Thr (NM_002977.4); short protein forms A1627T, A1616T.
Identifiers: ClinVar variation 660643 (VCV000660643.10), dbSNP rs1574693695, ClinGen allele CA349055286.

ClinVar aggregate classification (germline): Uncertain significance. Review status: criteria provided, multiple submitters, no conflicts (2 of 4 stars). 2 submissions from 2 submitters: Uncertain significance (2). Last evaluated 2025-12-03.

Conditions:
Channelopathy-associated congenital insensitivity to pain, autosomal recessive. Also called: ASYMBOLIA FOR PAIN; CONGENITAL ANALGESIA, AUTOSOMAL RECESSIVE; Insensitivity to pain, channelopathy-associated. Identifiers: Orphanet 88642, Orphanet 970, MedGen C1855739, MONDO:0009459, OMIM 243000.
Generalized epilepsy with febrile seizures plus, type 7 (GEFSP7). Also called: GEFS+, TYPE 7. Identifiers: Orphanet 36387, MedGen C2751778, MONDO:0013470, OMIM 613863.
Neuropathy, hereditary sensory and autonomic, type 2A (HSAN2A). Also called: WNK1-Related HSAN2 (HSAN2A); MORVAN DISEASE; NEUROPATHY, CONGENITAL SENSORY; NEUROPATHY, HEREDITARY SENSORY RADICULAR, AUTOSOMAL RECESSIVE; NEUROPATHY, HEREDITARY SENSORY, TYPE IIA; NEUROPATHY, PROGRESSIVE SENSORY, OF CHILDREN. Identifiers: Orphanet 970, MedGen C2752089, MONDO:0024309, OMIM 201300.

gnomAD v4.1: 2 of 1,614,062 alleles (0.00012%); highest among the groups gnomAD compares: Non-Finnish European, 0.00017%; no homozygotes.

Submissions (2):

Labcorp Genetics (formerly Invitae), Labcorp
Classification: Uncertain significance for Neuropathy, hereditary sensory and autonomic, type 2A; Generalized epilepsy with febrile seizures plus, type 7. Last evaluated: 2025-12-03. Review status: criteria provided, single submitter. Criteria: Invitae Variant Classification Sherloc (09022015). Collection method: clinical testing. Allele origin: germline.
Comment: This sequence change replaces alanine, which is neutral and non-polar, with threonine, which is neutral and polar, at codon 1616 of the SCN9A protein (p.Ala1616Thr). This variant is not present in population databases (gnomAD no frequency). This variant has not been reported in the literature in individuals affected with SCN9A-related conditions. ClinVar contains an entry for this variant (Variation ID: 660643). Invitae Evidence Modeling of protein sequence and biophysical properties (such as structural, functional, and spatial information, amino acid conservation, physicochemical variation, residue mobility, and thermodynamic stability) indicates that this missense variant is not expected to disrupt SCN9A protein function with a negative predictive value of 95%. In summary, the available evidence is currently insufficient to determine the role of this variant in disease. Therefore, it has been classified as a Variant of Uncertain Significance.

Genomic Medicine Center of Excellence, King Faisal Specialist Hospital and Research Centre
Classification: Uncertain significance for Channelopathy-associated congenital insensitivity to pain, autosomal recessive. Last evaluated: 2024-04-04. Review status: criteria provided, single submitter. Criteria: ACMG Guidelines, 2015. Collection method: clinical testing. Allele origin: germline.